The following is an entry in ClinVar:

ClinVar aggregate classification (germline): Benign/Likely benign. Review status: criteria provided, multiple submitters, no conflicts (2 of 4 stars). 3 submissions from 3 submitters: Benign (1); Likely benign (2). Last evaluated 2026-06-20.

Conditions:
Hereditary cancer-predisposing syndrome. Also called: Hereditary neoplastic syndrome; Neoplastic Syndromes, Hereditary; Tumor predisposition; Hereditary Cancer Syndrome. Identifiers: Orphanet 140162, MedGen C0027672, MeSH D009386, MONDO:0015356.
Familial adenomatous polyposis 1 (FAP1). Also called: FAMILIAL ADENOMATOUS POLYPOSIS 1, ATTENUATED; POLYPOSIS, ADENOMATOUS INTESTINAL. Identifiers: MedGen C2713442, MONDO:0021056, OMIM 175100. Disease mechanism: loss of function.

Submissions (3):

Ambry Genetics
Classification: Likely benign for Hereditary cancer-predisposing syndrome. Last evaluated: 2026-06-20. Review status: criteria provided, single submitter. Criteria: Ambry Variant Classification Scheme 2023. Collection method: clinical testing. Allele origin: germline.

Labcorp Genetics (formerly Invitae), Labcorp
Classification: Likely benign for Familial adenomatous polyposis 1. Last evaluated: 2025-10-07. Review status: criteria provided, single submitter. Criteria: Invitae Variant Classification Sherloc (09022015). Collection method: clinical testing. Allele origin: germline.

Myriad Genetics, Inc.
Classification: Benign for Familial adenomatous polyposis 1. Last evaluated: 2024-03-07. Review status: criteria provided, single submitter. Criteria: Myriad Autosomal Dominant, Autosomal Recessive and X-Linked Classification Criteria (2023). Collection method: clinical testing. Allele origin: unknown.
Comment: This variant is considered benign. This variant is a silent/synonymous amino acid change and it is not expected to impact splicing.

NM_000038.6(APC):c.1824T>C (p.Ala608=)

Gene: APC (APC regulator of Wnt signaling pathway; plus strand). Cytogenetic location: 5q22.2.
Variant type: single nucleotide variant.
Coding change: c.1824T>C on transcript NM_000038.6 (MANE Select); coding-DNA position 1824, T replaced by C.
Protein change: p.Ala608=; no amino-acid change (alanine 608 retained).
Molecular consequence: synonymous variant. On other transcripts: non-coding transcript variant (2).
Genome position (GRCh38, 1-based): chr5:112,835,031, T>C. VCF-style: chr5-112835031-T-C. GRCh37 (hg19) VCF-style: chr5-112170728-T-C.
Other names: c.1824T>C, p.Ala608= (NM_001127510.3, NM_001354895.2, NM_001407450.1); c.1770T>C, p.Ala590= (NM_001127511.3); c.1878T>C, p.Ala626= (NM_001354896.2, NM_001407447.1, NM_001407448.1 and 1 more transcripts); c.1854T>C, p.Ala618= (NM_001354897.2); c.1749T>C, p.Ala583= (NM_001354898.2); c.1740T>C, p.Ala580= (NM_001354899.2); c.1701T>C, p.Ala567= (NM_001354900.2); c.1647T>C, p.Ala549= (NM_001354901.2, NM_001407453.1); and 12 more.
Identifiers: ClinVar variation 1919188 (VCV001919188.7), dbSNP rs1455415709, ClinGen allele CA445758860.
Genomic context (GRCh38, chr5:112,835,031, plus strand): 5'-ATTGAGTGCCTTATGGAATTTGTCAGCACATTGCACTGAGAATAAAGCTGATATATGTGC[T>C]GTAGATGGTGCACTTGCATTTTTGGTTGGCACTCTTACTTACCGGAGCCAGACAAACACT-3'
Protein context (NP_000029.2, residues 598-618): HCTENKADIC[Ala608=]VDGALAFLVG